The following is an entry in ClinVar:

ClinVar aggregate classification (germline): Uncertain significance (1 of 4 stars; one submission).

Conditions:
Emery-Dreifuss muscular dystrophy (EDMD). Also called: Scapuloperoneal syndrome, X-linked (formerly); Humeroperoneal neuromuscular disease, (formerly). Identifiers: Orphanet 261, MedGen C0410189, MONDO:0016830.

Allele frequency attached by ClinVar (database versions not stated): gnomAD exomes below 0.00001; ExAC 0.00001; ESP Exome Variant Server 0.00008.
gnomAD v4.1: 5 of 1,611,410 alleles (0.00031%); highest among the groups gnomAD compares: African/African-American, 0.0067%; no homozygotes.

Submission:

Labcorp Genetics (formerly Invitae), Labcorp
Classification: Uncertain significance for Emery-Dreifuss muscular dystrophy. Last evaluated: 2025-04-17. Review status: criteria provided, single submitter. Criteria: Invitae Variant Classification Sherloc (09022015). Collection method: clinical testing. Allele origin: germline.
Comment: This sequence change replaces threonine, which is neutral and polar, with serine, which is neutral and polar, at codon 422 of the SUN1 protein (p.Thr422Ser). This variant is present in population databases (rs368576552, gnomAD 0.02%). This variant has not been reported in the literature in individuals affected with SUN1-related conditions. ClinVar contains an entry for this variant (Variation ID: 1936773). An algorithm developed to predict the effect of missense changes on protein structure and function (PolyPhen-2) suggests that this variant is likely to be disruptive. In summary, the available evidence is currently insufficient to determine the role of this variant in disease. Therefore, it has been classified as a Variant of Uncertain Significance.

NM_001130965.3(SUN1):c.1265C>G (p.Thr422Ser)

Gene: SUN1 (Sad1 and UNC84 domain containing 1; plus strand). Cytogenetic location: 7p22.3.
Variant type: single nucleotide variant.
Coding change: c.1265C>G on transcript NM_001130965.3 (MANE Select); coding-DNA position 1265, C replaced by G.
Protein change: p.Thr422Ser; replaces threonine 422 with serine.
Molecular consequence: missense variant. On other transcripts: non-coding transcript variant (3).
Genome position (GRCh38, 1-based): chr7:854,921, C>G. VCF-style: chr7-854921-C-G. GRCh37 (hg19) VCF-style: chr7-894558-C-G.
Other names: c.1250C>G, p.Thr417Ser (NM_001367642.1); c.1457C>G, p.Thr486Ser (NM_001367643.1); c.1196C>G, p.Thr399Ser (NM_001367644.1); c.1226C>G, p.Thr409Ser (NM_001367645.1, NM_001367689.1, NM_001367667.1); c.1394C>G, p.Thr465Ser (NM_001367646.1, NM_001367707.1); c.1307C>G, p.Thr436Ser (NM_001367647.1, NM_001367668.1); c.1127C>G, p.Thr376Ser (NM_001367648.1); c.1310C>G, p.Thr437Ser (NM_001367649.1); and 43 more; short protein forms T184S, T269S, T305S, T376S, T400S, T421S, T437S, T438S.
Identifiers: ClinVar variation 1936773 (VCV001936773.5), dbSNP rs368576552, ClinGen allele CA4112146.